The following continues an entry in ClinVar:

NM_003060.4(SLC22A5):c.641C>T (p.Ala214Val)

Gene: SLC22A5. ClinVar aggregate classification (germline): Conflicting classifications of pathogenicity. Pathogenic (1); Likely pathogenic (10); Uncertain significance (4).

Submissions 14 to 15 of 15:

ARUP Laboratories, Molecular Genetics and Genomics, ARUP Laboratories
Classification: Likely pathogenic for Renal carnitine transport defect. Last evaluated: 2018-09-07. Review status: criteria provided, single submitter. Criteria: ARUP Molecular Germline Variant Investigation Process. Collection method: clinical testing. Allele origin: germline.
Comment: The SLC22A5 c.641C>T; p.Ala214Val variant (rs386134199) has been reported in multiple unrelated individuals with systemic primary carnitine deficiency (PCD) (El-Hattab 2010, Li 2010, Rose 2012, ARUP PCD variant database) and is listed in ClinVar (Variation ID: 38279). Testing at ARUP Laboratories has further identified this variant in both the homozygous state or with another pathogenic variant in multiple individuals with plasma and/or urine carnitine levels consistent with PCD. The p.Ala214Val variant is observed in the South Asian population at an overall frequency of 0.58% in the Genome Aggregation Database (180/30782 alleles, 3 homozygotes). However, its frequency in the general population may be confounded by asymptomatic adult individuals with PCD (Magoulas 2012). The alanine at residue 214 is highly conserved, and computational algorithms (SIFT, PolyPhen) predict that this variant is deleterious. Functional analyses have produced variable results but mostly suggest a mild to moderate defect in p.Ala214Val carnitine transport. While an early report observed wildtype activity of the p.Ala214Val variant in transiently transfected HEK293 cells (Toh 2011), later studies observed <33% of wildtype transport activity in stably transfected CHO cells and 16.2% activity in fibroblasts from a p.Ala214Val homozygous individual (Frigeni 2017, Rose 2012). Based on its presence in clinically affected individuals with biochemical profiles consistent with PCD, the p.Ala214Val variant is considered to be likely pathogenic. References: ARUP PCD variant database: El-Hattab A et al. Maternal systemic primary carnitine deficiency uncovered by newborn screening: clinical, biochemical, and molecular aspects. Genet Med. 2010; 12(1):19-24. Frigeni M et al. Functional and molecular studies in primary carnitine deficiency. Hum Mutat. 2017 Dec;38(12):1684-1699. Li FY et al. Molecular spectrum of SLC22A5 (OCTN2) gene mutations detected in 143 subjects evaluated for systemic carnitine deficiency. Hum Mutat. 2010 Aug;31(8):E1632-51. Magoulas P et al. Systemic primary carnitine deficiency: an overview of clinical manifestations, diagnosis, and management. Orphanet J Rare Dis. 2012; 7:68. Rose E et al. Genotype-phenotype correlation in primary carnitine deficiency. Hum Mutat. 2012; 33(1):118-23. Toh D et al. Functional analysis of pharmacogenetic variants of human organic cation/carnitine transporter 2 (hOCTN2) identified in Singaporean populations. Biochem Pharmacol. 2011; 82(11):1692-9.

Eurofins Ntd Llc (ga)
Classification: Uncertain significance. Last evaluated: 2016-06-22. Review status: criteria provided, single submitter. Criteria: EGL Classification Definitions 2015. Collection method: clinical testing. Allele origin: germline. Observed: 2 variant alleles, 2 heterozygotes.

Literature cited by the submitters: PubMed 20027113 (cited by 3 submitters); PubMed 21922592 (cited by Women's Health and Genetics/Laboratory Corporation of America, LabCorp and Myriad Genetics, Inc.); PubMed 28841266 (cited by 3 submitters); PubMed 34178604 (cited by Women's Health and Genetics/Laboratory Corporation of America, LabCorp and Natera, Inc.); PubMed 21864509 (cited by 3 submitters); PubMed 36343260 (cited by Women's Health and Genetics/Laboratory Corporation of America, LabCorp and Labcorp Genetics (formerly Invitae), Labcorp); PubMed 20574985 (cited by Natera, Inc. and Myriad Genetics, Inc.); PubMed 28711408 (cited by Natera, Inc. and Myriad Genetics, Inc.); PubMed 23798014 (cited by Natera, Inc. and Myriad Genetics, Inc.); PubMed 23430858 (cited by Myriad Genetics, Inc.).